The following is an entry in ClinVar:

NM_002335.4(LRP5):c.4689C>T (p.Tyr1563=)

Gene: LRP5 (LDL receptor related protein 5; plus strand). Cytogenetic location: 11q13.2.
Variant type: single nucleotide variant.
Coding change: c.4689C>T on transcript NM_002335.4 (MANE Select); coding-DNA position 4689, C replaced by T.
Protein change: p.Tyr1563=; no amino-acid change (tyrosine 1563 retained).
Molecular consequence: synonymous variant.
Genome position (GRCh38, 1-based): chr11:68,448,911, C>T. VCF-style: chr11-68448911-C-T. GRCh37 (hg19) VCF-style: chr11-68216379-C-T.
Other names: c.2946C>T, p.Tyr982= (NM_001291902.2).
Identifiers: ClinVar variation 735370 (VCV000735370.13), dbSNP rs149752460, ClinGen allele CA6150485.
Genomic context (GRCh38, chr11:68,448,911, plus strand): 5'-CAGCACCGACGTGTGTGACAGCGACTACAGCGCCAGCCGCTGGAAGGCCAGCAAGTACTA[C>T]CTGGATTTGAACTCGGACTCAGACCCCTATCCACCCCCACCCACGCCCCACAGCCAGTAC-3'
Protein context (NP_002326.2, residues 1553-1573): SASRWKASKY[Tyr1563=]LDLNSDSDPY

ClinVar aggregate classification (germline): Likely benign. Review status: criteria provided, multiple submitters, no conflicts (2 of 4 stars). 4 submissions from 4 submitters: Likely benign (4). Last evaluated 2025-07-10.

Conditions:
Exudative vitreoretinopathy 4 (EVR4). Identifiers: Orphanet 891, MedGen C1866176, MONDO:0011151, OMIM 601813.
Osteoporosis. Identifiers: MedGen C0029456, MONDO:0005298, OMIM 166710, HP:0000939.
Autosomal dominant osteopetrosis 1 (OPTA1). Also called: OSTEOPETROSIS, AUTOSOMAL DOMINANT, TYPE I. Identifiers: Orphanet 2783, MedGen C1843330, MONDO:0011877, OMIM 607634.
Bone mineral density quantitative trait locus 1 (BMND1). Identifiers: MedGen C1866079, OMIM 601884.
Polycystic liver disease 4 with or without kidney cysts. Identifiers: MedGen C4693479, MONDO:0044327, OMIM 617875.
Worth disease. Also called: OSTEOSCLEROSIS, AUTOSOMAL DOMINANT; Autosomal dominant osteosclerosis, Worth type; ENDOSTEAL HYPEROSTOSIS, AUTOSOMAL DOMINANT. Identifiers: Orphanet 2790, MedGen C0432273, MONDO:0007764, OMIM 144750.
Osteoporosis with pseudoglioma (OPPG). Also called: osteoporosis-pseudoglioma syndrome. Identifiers: Orphanet 2788, MedGen C0432252, MONDO:0009820, OMIM 259770.
Exudative vitreoretinopathy 1 (EVR1). Also called: FEVR, AUTOSOMAL DOMINANT; Familial exudative vitreoretinopathy, autosomal dominant; CRISWICK-SCHEPENS SYNDROME. Identifiers: Orphanet 891, Orphanet 90050, MedGen C1851402, MONDO:0007589, OMIM 133780.
LRP5-related disorder. Also called: LRP5-related condition.

Allele frequency attached by ClinVar (database versions not stated): ESP Exome Variant Server 0.00023; gnomAD exomes 0.00001 and 0.00005; ExAC 0.00006; 1000 Genomes Project 30x 0.00016; TOPMed 0.00016; 1000 Genomes Project 0.00020; gnomAD 0.00021.
gnomAD v4.1: 50 of 1,613,754 alleles (0.0031%); highest among the groups gnomAD compares: African/African-American, 0.063%; no homozygotes.

Submissions (4):

Labcorp Genetics (formerly Invitae), Labcorp
Classification: Likely benign. Last evaluated: 2025-07-10. Review status: criteria provided, single submitter. Criteria: Invitae Variant Classification Sherloc (09022015). Collection method: clinical testing. Allele origin: germline.

PreventionGenetics, part of Exact Sciences
Classification: Likely benign for LRP5-related condition. Last evaluated: 2025-05-15. Review status: criteria provided, single submitter. Criteria: ACMG Guidelines, 2015. Collection method: clinical testing. Allele origin: germline.
Comment: This variant is classified as likely benign based on ACMG/AMP sequence variant interpretation guidelines (Richards et al. 2015 PMID: 25741868, with internal and published modifications).

Fulgent Genetics
Classification: Likely benign for Exudative vitreoretinopathy 1; Worth disease; Osteoporosis; Osteoporosis with pseudoglioma; Exudative vitreoretinopathy 4; Bone mineral density quantitative trait locus 1; Autosomal dominant osteopetrosis 1; Polycystic liver disease 4 with or without kidney cysts. Last evaluated: 2021-10-29. Review status: criteria provided, single submitter. Criteria: ACMG Guidelines, 2015. Collection method: clinical testing. Allele origin: unknown.

Blueprint Genetics
Classification: Likely benign. Last evaluated: 2021-08-06. Review status: criteria provided, single submitter. Criteria: ACMG Guidelines, 2015. Collection method: clinical testing. Allele origin: germline.